The following is an entry in ClinVar:

NM_001001331.4(ATP2B2):c.3397_3398delinsAT (p.Gly1133Ile)

Gene: ATP2B2 (ATPase plasma membrane Ca2+ transporting 2; minus strand). Cytogenetic location: 3p25.3.
Variant type: Indel.
Coding change: c.3397_3398delinsAT on transcript NM_001001331.4 (MANE Select); coding-DNA positions 3397 to 3398, GG replaced by AT.
Protein change: p.Gly1133Ile; replaces glycine 1133 with isoleucine.
Molecular consequence: missense variant.
Genome position (GRCh38, 1-based): chr3:10,338,198-10,338,199, CC replaced by AT on the plus strand (GG replaced by AT on the coding strand, the reverse complement: ATP2B2 is on the minus strand). VCF-style: chr3-10338198-CC-AT. GRCh37 (hg19) VCF-style: chr3-10379882-CC-AT.
Other names: c.3262_3263delinsAT, p.Gly1088Ile (NM_001330611.3, NM_001353564.1, NM_001363862.1 and 1 more transcripts); short protein forms G1088I, G1133I.
Identifiers: ClinVar variation 3765955 (VCV003765955.1).

ClinVar aggregate classification (germline): Uncertain significance (1 of 4 stars; one submission).

Submission:

GeneDx
Classification: Uncertain significance. Last evaluated: 2024-08-28. Review status: criteria provided, single submitter. Criteria: GeneDx Variant Classification Process June 2021. Collection method: clinical testing. Allele origin: germline. Affected: yes.
Comment: Not observed at significant frequency in large population cohorts (gnomAD); In silico analysis indicates that this variant does not alter protein structure/function; Has not been previously published as pathogenic or benign to our knowledge